The following is an entry in ClinVar:

NM_000551.4(VHL):c.274G>T (p.Asp92Tyr)

Gene: VHL (von Hippel-Lindau tumor suppressor; plus strand). Cytogenetic location: 3p25.3.
Variant type: single nucleotide variant.
Coding change: c.274G>T on transcript NM_000551.4 (MANE Select); coding-DNA position 274, G replaced by T.
Protein change: p.Asp92Tyr; replaces aspartic acid 92 with tyrosine.
Molecular consequence: missense variant.
Genome position (GRCh38, 1-based): chr3:10,142,121, G>T. VCF-style: chr3-10142121-G-T. GRCh37 (hg19) VCF-style: chr3-10183805-G-T.
Other names: c.274G>T, p.Asp92Tyr (NM_001354723.2, NM_198156.3); short protein forms D92Y.
Identifiers: ClinVar variation 135954 (VCV000135954.18), dbSNP rs587780731, ClinGen allele CA020217.

ClinVar aggregate classification (germline): Conflicting classifications of pathogenicity. Review status: criteria provided, conflicting classifications (1 of 4 stars). 5 submissions from 5 submitters: Uncertain significance (3); Likely benign (2). Last evaluated 2025-09-03.

Conditions:
Chuvash polycythemia. Also called: POLYCYTHEMIA, VHL-DEPENDENT. Identifiers: Orphanet 238557, MedGen C1837915, MONDO:0009892, OMIM 263400.
Von Hippel-Lindau syndrome (VHLS). Also called: Von Hippel-Lindau; von Hippel–Lindau syndrome; VHL syndrome. Identifiers: Orphanet 892, MedGen C0019562, MONDO:0008667, OMIM 193300. Disease mechanism: loss of function.
Hereditary cancer-predisposing syndrome. Also called: Tumor predisposition; Hereditary neoplastic syndrome; Neoplastic Syndromes, Hereditary; Hereditary Cancer Syndrome. Identifiers: Orphanet 140162, MedGen C0027672, MeSH D009386, MONDO:0015356.
Pheochromocytoma. Also called: MAX-Related Hereditary Paraganglioma-Pheochromocytoma Syndrome. Identifiers: Orphanet 29072, MedGen C0031511, MONDO:0008233, OMIM 171300, HP:0002666.
Nonpapillary renal cell carcinoma. Identifiers: Orphanet 422526, MedGen CN074294, MONDO:0007763, OMIM 144700.

Allele frequency attached by ClinVar (database versions not stated): ExAC 0.00003; gnomAD exomes 0.00003.

Submissions (5):

Labcorp Genetics (formerly Invitae), Labcorp
Classification: Uncertain significance for Von Hippel-Lindau syndrome; Chuvash polycythemia. Last evaluated: 2025-09-03. Review status: criteria provided, single submitter. Criteria: Invitae Variant Classification Sherloc (09022015). Collection method: clinical testing. Allele origin: germline.
Comment: This sequence change replaces aspartic acid, which is acidic and polar, with tyrosine, which is neutral and polar, at codon 92 of the VHL protein (p.Asp92Tyr). This variant is present in population databases (rs587780731, gnomAD 0.03%). This variant has not been reported in the literature in individuals affected with VHL-related conditions. ClinVar contains an entry for this variant (Variation ID: 135954). Invitae Evidence Modeling of protein sequence and biophysical properties (such as structural, functional, and spatial information, amino acid conservation, physicochemical variation, residue mobility, and thermodynamic stability) has been performed for this missense variant. However, the output from this modeling did not meet the statistical confidence thresholds required to predict the impact of this variant on VHL protein function. In summary, the available evidence is currently insufficient to determine the role of this variant in disease. Therefore, it has been classified as a Variant of Uncertain Significance.

Myriad Genetics, Inc.
Classification: Likely benign for Von Hippel-Lindau syndrome. Last evaluated: 2024-08-13. Review status: criteria provided, single submitter. Criteria: Myriad Autosomal Dominant, Autosomal Recessive and X-Linked Classification Criteria (2023). Collection method: clinical testing. Allele origin: unknown.
Comment: This variant is considered likely benign. This variant has been observed at a population frequency that is significantly greater than expected given the associated disease prevalence and penetrance.

Fulgent Genetics
Classification: Uncertain significance for Nonpapillary renal cell carcinoma; Pheochromocytoma; Von Hippel-Lindau syndrome; Chuvash polycythemia. Last evaluated: 2024-03-20. Review status: criteria provided, single submitter. Criteria: ACMG Guidelines, 2015. Collection method: clinical testing. Allele origin: germline.

Ambry Genetics
Classification: Likely benign for Hereditary cancer-predisposing syndrome. Last evaluated: 2024-02-20. Review status: criteria provided, single submitter. Criteria: Ambry Variant Classification Scheme 2023. Collection method: clinical testing. Allele origin: germline.

Sema4
Classification: Uncertain significance for Hereditary cancer-predisposing syndrome. Last evaluated: 2022-03-02. Review status: criteria provided, single submitter. Criteria: Sema4 Curation Guidelines. Collection method: curation. Allele origin: germline.
Comment: The VHL c.274G>T (p.D92Y) variant has not been reported in the literature to our knowledge. It was observed in 5/17436 chromosomes of the East Asian subpopulation, in the large and broad cohorts of the Genome Aggregation Database (PMID: 32461654). This variant has been reported in ClinVar (Variation ID 135954). Functional studies have not been performed, and in silico predictions of the variant's effect on protein function are inconclusive. The evidence is insufficient to meet ACMG/AMP criteria for classifying the variant as benign or pathogenic. Thus, the clinical significance of this variant is currently uncertain.

Literature cited by the submitters: PubMed 20351605 (cited by Ambry Genetics).